The following is an entry in ClinVar:

ClinVar aggregate classification (germline): Uncertain significance. Review status: criteria provided, multiple submitters, no conflicts (2 of 4 stars). 3 submissions from 3 submitters: Uncertain significance (3). Last evaluated 2024-09-06.

Conditions:
Senior-Loken syndrome 5 (SLSN5). Identifiers: Orphanet 3156, MedGen C1836517, MONDO:0012225, OMIM 609254.
Nephronophthisis. Also called: Juvenile Nephronophthisis. Identifiers: Orphanet 655, MedGen C0687120, MONDO:0019005, HP:0000090.

Allele frequency attached by ClinVar (database versions not stated): gnomAD exomes below 0.00001 and 0.00002; gnomAD 0.00001; TOPMed 0.00002.
gnomAD v4.1: 10 of 1,605,216 alleles (0.00062%); highest among the groups gnomAD compares: South Asian, 0.0011%; no homozygotes.

Submissions (3):

Blueprint Genetics
Classification: Uncertain significance. Last evaluated: 2024-09-06. Review status: criteria provided, single submitter. Criteria: ACMG Guidelines, 2015. Collection method: clinical testing. Allele origin: germline.

Fulgent Genetics
Classification: Uncertain significance for Senior-Loken syndrome 5. Last evaluated: 2024-04-13. Review status: criteria provided, single submitter. Criteria: ACMG Guidelines, 2015. Collection method: clinical testing. Allele origin: germline.

Labcorp Genetics (formerly Invitae), Labcorp
Classification: Uncertain significance for Nephronophthisis. Last evaluated: 2022-08-12. Review status: criteria provided, single submitter. Criteria: Invitae Variant Classification Sherloc (09022015). Collection method: clinical testing. Allele origin: germline.
Comment: This sequence change replaces tyrosine, which is neutral and polar, with cysteine, which is neutral and slightly polar, at codon 254 of the IQCB1 protein (p.Tyr254Cys). This variant is present in population databases (no rsID available, gnomAD 0.0009%). This variant has not been reported in the literature in individuals affected with IQCB1-related conditions. ClinVar contains an entry for this variant (Variation ID: 1392138). Algorithms developed to predict the effect of missense changes on protein structure and function (SIFT, PolyPhen-2, Align-GVGD) all suggest that this variant is likely to be disruptive. In summary, the available evidence is currently insufficient to determine the role of this variant in disease. Therefore, it has been classified as a Variant of Uncertain Significance.

NM_001023570.4(IQCB1):c.761A>G (p.Tyr254Cys)

Gene: IQCB1 (IQ motif containing B1; minus strand). Cytogenetic location: 3q13.33.
Variant type: single nucleotide variant.
Coding change: c.761A>G on transcript NM_001023570.4 (MANE Select); coding-DNA position 761, A replaced by G.
Protein change: p.Tyr254Cys; replaces tyrosine 254 with cysteine.
Molecular consequence: missense variant. On other transcripts: non-coding transcript variant (1), intron variant (1).
Genome position (GRCh38, 1-based): chr3:121,799,201, T>C on the plus strand (A>G on the coding strand, the complement: IQCB1 is on the minus strand). VCF-style: chr3-121799201-T-C. GRCh37 (hg19) VCF-style: chr3-121518048-T-C.
Other names: c.761A>G, p.Tyr254Cys (NM_001319107.2); c.587+8143A>G (NM_001023571.4); short protein forms Y254C.
Identifiers: ClinVar variation 1392138 (VCV001392138.5), dbSNP rs1484417223, ClinGen allele CA354101363.